The following is an entry in ClinVar:

ClinVar aggregate classification (germline): Likely benign. Review status: criteria provided, multiple submitters, no conflicts (2 of 4 stars). 3 submissions from 3 submitters: Likely benign (3). Last evaluated 2025-09-02.

Conditions:
Neuroblastoma, susceptibility to, 3. Also called: ALK-Related Neuroblastic Tumor Susceptibility. Identifiers: Orphanet 635, MedGen C2751681, MONDO:0013083, OMIM 613014.
Hereditary cancer-predisposing syndrome. Also called: Tumor predisposition; Hereditary Cancer Syndrome; Neoplastic Syndromes, Hereditary; Hereditary neoplastic syndrome. Identifiers: Orphanet 140162, MedGen C0027672, MeSH D009386, MONDO:0015356.

Allele frequency attached by ClinVar (database versions not stated): gnomAD exomes below 0.00001 and 0.00002; gnomAD 0.00001; TOPMed 0.00002; ExAC 0.00005.
gnomAD v4.1: 7 of 1,588,814 alleles (0.00044%); highest among the groups gnomAD compares: East Asian, 0.014%; no homozygotes.

Submissions (3):

Labcorp Genetics (formerly Invitae), Labcorp
Classification: Likely benign for Neuroblastoma, susceptibility to, 3. Last evaluated: 2025-09-02. Review status: criteria provided, single submitter. Criteria: Invitae Variant Classification Sherloc (09022015). Collection method: clinical testing. Allele origin: germline.

Ambry Genetics
Classification: Likely benign for Hereditary cancer-predisposing syndrome. Last evaluated: 2023-04-24. Review status: criteria provided, single submitter. Criteria: Ambry Variant Classification Scheme 2023. Collection method: clinical testing. Allele origin: germline.

Illumina Laboratory Services, Illumina
Classification: Likely benign for Neuroblastoma, susceptibility to, 3. Last evaluated: 2018-01-12. Review status: criteria provided, single submitter. Criteria: ICSL Variant Classification Criteria 13 December 2019. Collection method: clinical testing. Allele origin: germline.
Comment: This variant was observed in the ICSL laboratory as part of a predisposition screen in an ostensibly healthy population. It had not been previously curated by ICSL or reported in the Human Gene Mutation Database (HGMD: prior to June 1st, 2018), and was therefore a candidate for classification through an automated scoring system. Utilizing variant allele frequency, disease prevalence and penetrance estimates, and inheritance mode, an automated score was calculated to assess if this variant is too frequent to cause the disease. Based on the score and internal cut-off values, a variant classified as likely benign is not then subjected to further curation. The score for this variant resulted in a classification of likely benign for this disease.

NM_004304.5(ALK):c.384G>A (p.Lys128=)

Gene: ALK (ALK receptor tyrosine kinase; minus strand). Cytogenetic location: 2p23.1.
Variant type: single nucleotide variant.
Coding change: c.384G>A on transcript NM_004304.5 (MANE Select); coding-DNA position 384, G replaced by A.
Protein change: p.Lys128=; no amino-acid change (lysine 128 retained).
Molecular consequence: synonymous variant.
Genome position (GRCh38, 1-based): chr2:29,920,276, C>T on the plus strand (G>A on the coding strand, the complement: ALK is on the minus strand). VCF-style: chr2-29920276-C-T. GRCh37 (hg19) VCF-style: chr2-30143142-C-T.
Identifiers: ClinVar variation 335715 (VCV000335715.15), dbSNP rs753267950, ClinGen allele CA1594988.